The following is an entry in ClinVar:

ClinVar aggregate classification (germline): Pathogenic/Likely pathogenic. Review status: criteria provided, multiple submitters, no conflicts (2 of 4 stars). 3 submissions from 3 submitters: Pathogenic (2); Likely pathogenic (1). Last evaluated 2024-10-04.

Conditions:
Urocanate hydratase deficiency (UROCD). Also called: UROCANASE DEFICIENCY; Urocanic aciduria. Identifiers: Orphanet 210128, MedGen C0268514, MONDO:0010167, OMIM 276880, HP:0012237.

Allele frequency attached by ClinVar (database versions not stated): gnomAD exomes below 0.00001 and 0.00001; ExAC 0.00001.
gnomAD v4.1: 10 of 1,614,154 alleles (0.00062%); highest among the groups gnomAD compares: Middle Eastern, 0.016%; no homozygotes.

Submissions (3):

Dubai Health Genomic Medicine Center, Dubai Health
Classification: Likely pathogenic for Urocanase deficiency. Last evaluated: 2024-10-04. Review status: criteria provided, single submitter. Criteria: ACMG Guidelines, 2015. Collection method: research. Allele origin: germline. Affected: yes.
Comment: PVS1,PM2

Genomic Medicine Center of Excellence, King Faisal Specialist Hospital and Research Centre
Classification: Pathogenic for Urocanate hydratase deficiency. Last evaluated: 2024-03-17. Review status: criteria provided, single submitter. Criteria: ACMG Guidelines, 2015. Collection method: research. Allele origin: germline.

Elsea Laboratory, Baylor College of Medicine
Classification: Pathogenic for Urocanate hydratase deficiency. Last evaluated: 2020-04-01. Review status: criteria provided, single submitter. Criteria: ACMG Guidelines, 2015. Collection method: clinical testing. Allele origin: maternal, paternal. Affected: yes.

NM_144639.3(UROC1):c.855G>A (p.Trp285Ter)

Gene: UROC1 (urocanate hydratase 1; minus strand). Cytogenetic location: 3q21.3.
Variant type: single nucleotide variant.
Coding change: c.855G>A on transcript NM_144639.3 (MANE Select); coding-DNA position 855, G replaced by A.
Protein change: p.Trp285Ter; replaces tryptophan 285 with a stop codon.
Molecular consequence: nonsense.
Genome position (GRCh38, 1-based): chr3:126,504,042, C>T on the plus strand (G>A on the coding strand, the complement: UROC1 is on the minus strand). VCF-style: chr3-126504042-C-T. GRCh37 (hg19) VCF-style: chr3-126222885-C-T.
Other names: c.855G>A, p.Trp285Ter (NM_001165974.2); short protein forms W285*.
Identifiers: ClinVar variation 973482 (VCV000973482.6), dbSNP rs781621925, ClinGen allele CA2591341.